The following is an entry in ClinVar:

ClinVar aggregate classification (germline): Uncertain significance. Review status: criteria provided, multiple submitters, no conflicts (2 of 4 stars). 2 submissions from 2 submitters: Uncertain significance (2). Last evaluated 2023-11-12.

gnomAD v4.1: 3 of 1,614,126 alleles (0.00019%); highest among the groups gnomAD compares: Non-Finnish European, 0.00025%; no homozygotes.

Submissions (2):

GeneDx
Classification: Uncertain significance. Last evaluated: 2023-11-12. Review status: criteria provided, single submitter. Criteria: GeneDx Variant Classification Process June 2021. Collection method: clinical testing. Allele origin: germline. Affected: yes.
Comment: Not observed at significant frequency in large population cohorts (gnomAD); In silico analysis supports that this missense variant does not alter protein structure/function; Has not been previously published as pathogenic or benign to our knowledge

Labcorp Genetics (formerly Invitae), Labcorp
Classification: Uncertain significance. Last evaluated: 2023-04-09. Review status: criteria provided, single submitter. Criteria: Invitae Variant Classification Sherloc (09022015). Collection method: clinical testing. Allele origin: germline.
Comment: In summary, the available evidence is currently insufficient to determine the role of this variant in disease. Therefore, it has been classified as a Variant of Uncertain Significance. Advanced modeling of protein sequence and biophysical properties (such as structural, functional, and spatial information, amino acid conservation, physicochemical variation, residue mobility, and thermodynamic stability) performed at Invitae indicates that this missense variant is not expected to disrupt FLNB protein function. ClinVar contains an entry for this variant (Variation ID: 1308438). This variant has not been reported in the literature in individuals affected with FLNB-related conditions. This variant is not present in population databases (gnomAD no frequency). This sequence change replaces phenylalanine, which is neutral and non-polar, with cysteine, which is neutral and slightly polar, at codon 1724 of the FLNB protein (p.Phe1724Cys).

NM_001457.4(FLNB):c.5171T>G (p.Phe1724Cys)

Gene: FLNB (filamin B; plus strand). Cytogenetic location: 3p14.3.
Variant type: single nucleotide variant.
Coding change: c.5171T>G on transcript NM_001457.4 (MANE Select); coding-DNA position 5171, T replaced by G.
Protein change: p.Phe1724Cys; replaces phenylalanine 1724 with cysteine.
Molecular consequence: missense variant. On other transcripts: intron variant (2).
Genome position (GRCh38, 1-based): chr3:58,141,919, T>G. VCF-style: chr3-58141919-T-G. GRCh37 (hg19) VCF-style: chr3-58127646-T-G.
Other names: c.5264T>G, p.Phe1755Cys (NM_001164317.2); c.5148+23T>G (NM_001164318.2); c.5110-731T>G (NM_001164319.2); short protein forms F1724C, F1755C.
Identifiers: ClinVar variation 1308438 (VCV001308438.6), dbSNP rs767365016, ClinGen allele CA353353413.